The following is an entry in ClinVar:

ClinVar aggregate classification (germline): Uncertain significance (1 of 4 stars; one submission).

Conditions:
Arrhythmogenic right ventricular dysplasia 5. Also called: Arrhythmogenic Right Ventricular Dysplasia/Cardiomyopathy 5; ARRHYTHMOGENIC RIGHT VENTRICULAR DYSPLASIA, FAMILIAL, 5. Identifiers: MedGen C1858379, MONDO:0011459, OMIM 604400.

Allele frequency attached by ClinVar (database versions not stated): gnomAD exomes below 0.00001.
gnomAD v4.1: 1 of 1,614,040 alleles (0.000062%); highest among the groups gnomAD compares: Non-Finnish European, 0.000085%; no homozygotes.

Submission:

Labcorp Genetics (formerly Invitae), Labcorp
Classification: Uncertain significance for Arrhythmogenic right ventricular dysplasia 5. Last evaluated: 2018-12-20. Review status: criteria provided, single submitter. Criteria: Invitae Variant Classification Sherloc (09022015). Collection method: clinical testing. Allele origin: germline.
Comment: In summary, the available evidence is currently insufficient to determine the role of this variant in disease. Therefore, it has been classified as a Variant of Uncertain Significance. Nucleotide substitutions within the consensus splice site are a relatively common cause of aberrant splicing (PMID: 17576681, 9536098). Algorithms developed to predict the effect of sequence changes on RNA splicing suggest that this variant may create or strengthen a splice site, but this prediction has not been confirmed by published transcriptional studies. This variant has not been reported in the literature in individuals with TMEM43-related conditions. This variant is not present in population databases (ExAC no frequency). This sequence change falls in intron 7 of the TMEM43 gene. It does not directly change the encoded amino acid sequence of the TMEM43 protein, but it affects a nucleotide within the consensus splice site of the intron.

Literature cited by the submitters: PubMed 17576681; PubMed 9536098.

NM_024334.3(TMEM43):c.583+4A>G

Gene: TMEM43 (transmembrane protein 43; plus strand). Cytogenetic location: 3p25.1.
Variant type: single nucleotide variant.
Coding change: c.583+4A>G on transcript NM_024334.3 (MANE Select); 4 bases into the intron after coding-DNA position 583, A replaced by G.
Molecular consequence: intron variant.
Genome position (GRCh38, 1-based): chr3:14,133,813, A>G. VCF-style: chr3-14133813-A-G. GRCh37 (hg19) VCF-style: chr3-14175313-A-G.
Identifiers: ClinVar variation 654533 (VCV000654533.6), dbSNP rs1574938748, ClinGen allele CA915941871.